The following is an entry in ClinVar:

ClinVar aggregate classification (germline): Uncertain significance (1 of 4 stars; one submission).

Allele frequency attached by ClinVar (database versions not stated): gnomAD exomes below 0.00001.
gnomAD v4.1: 2 of 1,614,198 alleles (0.00012%); highest among the groups gnomAD compares: East Asian, 0.0022%; no homozygotes.

Submission:

Ambry Genetics
Classification: Uncertain significance. Last evaluated: 2022-04-06. Review status: criteria provided, single submitter. Criteria: Ambry Variant Classification Scheme 2023. Collection method: clinical testing. Allele origin: germline.
Comment: The p.P574S variant (also known as c.1720C>T), located in coding exon 3 of the ALPK2 gene, results from a C to T substitution at nucleotide position 1720. The proline at codon 574 is replaced by serine, an amino acid with similar properties. This amino acid position is conserved. In addition, this alteration is predicted to be tolerated by in silico analysis. Since supporting evidence is limited at this time, the clinical significance of this alteration remains unclear.

NM_052947.4(ALPK2):c.1720C>T (p.Pro574Ser)

Gene: ALPK2 (alpha kinase 2; minus strand). Cytogenetic location: 18q21.31.
Variant type: single nucleotide variant.
Coding change: c.1720C>T on transcript NM_052947.4 (MANE Select); coding-DNA position 1720, C replaced by T.
Protein change: p.Pro574Ser; replaces proline 574 with serine.
Molecular consequence: missense variant.
Genome position (GRCh38, 1-based): chr18:58,579,056, G>A on the plus strand (C>T on the coding strand, the complement: ALPK2 is on the minus strand). VCF-style: chr18-58579056-G-A. GRCh37 (hg19) VCF-style: chr18-56246288-G-A.
Other names: short protein forms P574S.
Identifiers: ClinVar variation 1778756 (VCV001778756.2), dbSNP rs1253595745, ClinGen allele CA402560627.